The following is an entry in ClinVar:

NM_001244926.2(PRPF4):c.1400G>C (p.Gly467Ala)

Gene: PRPF4 (pre-mRNA splicing tri-snRNP complex factor PRPF4; plus strand). Cytogenetic location: 9q32.
Variant type: single nucleotide variant.
Coding change: c.1400G>C on transcript NM_001244926.2 (MANE Select); coding-DNA position 1400, G replaced by C.
Protein change: p.Gly467Ala; replaces glycine 467 with alanine.
Molecular consequence: missense variant. On other transcripts: non-coding transcript variant (2).
Genome position (GRCh38, 1-based): chr9:113,291,494, G>C. VCF-style: chr9-113291494-G-C. GRCh37 (hg19) VCF-style: chr9-116053774-G-C.
Other names: c.674G>C, p.Gly225Ala (NM_001322266.2, NM_001322267.2); c.1403G>C, p.Gly468Ala (NM_004697.5); short protein forms G225A, G467A, G468A.
Identifiers: ClinVar variation 1717985 (VCV001717985.5), dbSNP rs2490845613, ClinGen allele CA374556126.

ClinVar aggregate classification (germline): Uncertain significance (1 of 4 stars; one submission).

Submission:

Labcorp Genetics (formerly Invitae), Labcorp
Classification: Uncertain significance. Last evaluated: 2022-08-24. Review status: criteria provided, single submitter. Criteria: Invitae Variant Classification Sherloc (09022015). Collection method: clinical testing. Allele origin: germline.
Comment: In summary, the available evidence is currently insufficient to determine the role of this variant in disease. Therefore, it has been classified as a Variant of Uncertain Significance. Algorithms developed to predict the effect of missense changes on protein structure and function (SIFT, PolyPhen-2, Align-GVGD) all suggest that this variant is likely to be tolerated. This variant has not been reported in the literature in individuals affected with PRPF4-related conditions. This variant is not present in population databases (gnomAD no frequency). This sequence change replaces glycine, which is neutral and non-polar, with alanine, which is neutral and non-polar, at codon 468 of the PRPF4 protein (p.Gly468Ala).